The following is an entry in ClinVar:

NM_003079.5(SMARCE1):c.986G>A (p.Gly329Asp)

Gene: SMARCE1 (SWI/SNF related BAF chromatin remodeling complex subunit E1; minus strand). Cytogenetic location: 17q21.2.
Variant type: single nucleotide variant.
Coding change: c.986G>A on transcript NM_003079.5 (MANE Select); coding-DNA position 986, G replaced by A.
Protein change: p.Gly329Asp; replaces glycine 329 with aspartic acid.
Molecular consequence: missense variant.
Genome position (GRCh38, 1-based): chr17:40,630,755, C>T on the plus strand (G>A on the coding strand, the complement: SMARCE1 is on the minus strand). VCF-style: chr17-40630755-C-T. GRCh37 (hg19) VCF-style: chr17-38787007-C-T.
Other names: short protein forms G329D.
Identifiers: ClinVar variation 850221 (VCV000850221.12), dbSNP rs2037085537, ClinGen allele CA399363289.
Genomic context (GRCh38, chr17:40,630,755, plus strand): 5'-TTTGTTGCTAGTGGGTTACCTGTCTCCATCGGAATGTTCTCGTCGTCTTTCTTCTCCTCG[C>T]CTTTGTTAGCTGCTTGTTCTTCCTCAGGAACGATGCTGCTCTGACTGCGCTCAGCTTGCT-3'
Protein context (NP_003070.3, residues 319-339): VPEEEQAANK[Gly329Asp]EEKKDDENIP

ClinVar aggregate classification (germline): Uncertain significance. Review status: criteria provided, multiple submitters, no conflicts (2 of 4 stars). 2 submissions from 2 submitters: Uncertain significance (2). Last evaluated 2026-03-30.

Conditions:
Hereditary cancer-predisposing syndrome. Also called: Tumor predisposition; Neoplastic Syndromes, Hereditary; Hereditary neoplastic syndrome; Hereditary Cancer Syndrome. Identifiers: Orphanet 140162, MedGen C0027672, MeSH D009386, MONDO:0015356.
Familial meningioma. Also called: Meningioma, familial, susceptibility to. Identifiers: Orphanet 263662, MedGen C3551915, MONDO:0011789, OMIM 607174.

Allele frequency attached by ClinVar (database versions not stated): gnomAD 0.00001.
gnomAD v4.1: 1 of 1,614,026 alleles (0.000062%); highest among the groups gnomAD compares: Non-Finnish European, 0.000085%; no homozygotes.

Submissions (2):

Ambry Genetics
Classification: Uncertain significance for Hereditary cancer-predisposing syndrome. Last evaluated: 2026-03-30. Review status: criteria provided, single submitter. Criteria: Ambry Variant Classification Scheme 2023. Collection method: clinical testing. Allele origin: germline.
Comment: The p.G329D variant (also known as c.986G>A), located in coding exon 9 of the SMARCE1 gene, results from a G to A substitution at nucleotide position 986. The glycine at codon 329 is replaced by aspartic acid, an amino acid with similar properties. This amino acid position is conserved. In addition, this alteration is predicted to be tolerated by in silico analysis. Based on the available evidence, the clinical significance of this variant remains unclear.

Labcorp Genetics (formerly Invitae), Labcorp
Classification: Uncertain significance for Familial meningioma. Last evaluated: 2022-10-03. Review status: criteria provided, single submitter. Criteria: Invitae Variant Classification Sherloc (09022015). Collection method: clinical testing. Allele origin: germline.
Comment: In summary, the available evidence is currently insufficient to determine the role of this variant in disease. Therefore, it has been classified as a Variant of Uncertain Significance. Advanced modeling of protein sequence and biophysical properties (such as structural, functional, and spatial information, amino acid conservation, physicochemical variation, residue mobility, and thermodynamic stability) performed at Invitae indicates that this missense variant is not expected to disrupt SMARCE1 protein function. ClinVar contains an entry for this variant (Variation ID: 850221). This variant has not been reported in the literature in individuals affected with SMARCE1-related conditions. This variant is not present in population databases (gnomAD no frequency). This sequence change replaces glycine, which is neutral and non-polar, with aspartic acid, which is acidic and polar, at codon 329 of the SMARCE1 protein (p.Gly329Asp).